The following is an entry in ClinVar:

ClinVar aggregate classification (germline): Uncertain significance. Review status: criteria provided, multiple submitters, no conflicts (2 of 4 stars). 2 submissions from 2 submitters: Uncertain significance (2). Last evaluated 2025-08-22.

Conditions:
Hereditary cancer-predisposing syndrome. Also called: Tumor predisposition; Hereditary neoplastic syndrome; Hereditary Cancer Syndrome; Neoplastic Syndromes, Hereditary. Identifiers: Orphanet 140162, MedGen C0027672, MeSH D009386, MONDO:0015356.
Familial adenomatous polyposis 1 (FAP1). Also called: FAMILIAL ADENOMATOUS POLYPOSIS 1, ATTENUATED; POLYPOSIS, ADENOMATOUS INTESTINAL. Identifiers: MedGen C2713442, MONDO:0021056, OMIM 175100. Disease mechanism: loss of function.

Allele frequency attached by ClinVar (database versions not stated): gnomAD exomes below 0.00001; ExAC 0.00001.
gnomAD v4.1: 3 of 1,614,100 alleles (0.00019%); highest among the groups gnomAD compares: South Asian, 0.0022%; no homozygotes.

Submissions (2):

Ambry Genetics
Classification: Uncertain significance for Hereditary cancer-predisposing syndrome. Last evaluated: 2025-08-22. Review status: criteria provided, single submitter. Criteria: Ambry Variant Classification Scheme 2023. Collection method: clinical testing. Allele origin: germline.
Comment: The p.D2059G variant (also known as c.6176A>G), located in coding exon 15 of the APC gene, results from an A to G substitution at nucleotide position 6176. The aspartic acid at codon 2059 is replaced by glycine, an amino acid with similar properties. This amino acid position is conserved. In addition, in silico predictors for this gene do not accurately predict pathogenicity. Since supporting evidence is limited at this time, the clinical significance of this alteration remains unclear.

Labcorp Genetics (formerly Invitae), Labcorp
Classification: Uncertain significance for Familial adenomatous polyposis 1. Last evaluated: 2023-06-04. Review status: criteria provided, single submitter. Criteria: Invitae Variant Classification Sherloc (09022015). Collection method: clinical testing. Allele origin: germline.
Comment: In summary, the available evidence is currently insufficient to determine the role of this variant in disease. Therefore, it has been classified as a Variant of Uncertain Significance. Advanced modeling of protein sequence and biophysical properties (such as structural, functional, and spatial information, amino acid conservation, physicochemical variation, residue mobility, and thermodynamic stability) performed at Invitae indicates that this missense variant is not expected to disrupt APC protein function. ClinVar contains an entry for this variant (Variation ID: 1463818). This variant has not been reported in the literature in individuals affected with APC-related conditions. This variant is present in population databases (rs775292977, gnomAD 0.003%). This sequence change replaces aspartic acid, which is acidic and polar, with glycine, which is neutral and non-polar, at codon 2059 of the APC protein (p.Asp2059Gly).

NM_000038.6(APC):c.6176A>G (p.Asp2059Gly)

Gene: APC (APC regulator of Wnt signaling pathway; plus strand). Cytogenetic location: 5q22.2.
Variant type: single nucleotide variant.
Coding change: c.6176A>G on transcript NM_000038.6 (MANE Select); coding-DNA position 6176, A replaced by G.
Protein change: p.Asp2059Gly; replaces aspartic acid 2059 with glycine.
Molecular consequence: missense variant.
Genome position (GRCh38, 1-based): chr5:112,841,770, A>G. VCF-style: chr5-112841770-A-G. GRCh37 (hg19) VCF-style: chr5-112177467-A-G.
Other names: c.6176A>G (NM_000038.5); c.6176A>G, p.Asp2059Gly (NM_001127510.3, NM_001354895.2); c.6122A>G, p.Asp2041Gly (NM_001127511.3); c.6230A>G, p.Asp2077Gly (NM_001354896.2); c.6206A>G, p.Asp2069Gly (NM_001354897.2); c.6101A>G, p.Asp2034Gly (NM_001354898.2); c.6092A>G, p.Asp2031Gly (NM_001354899.2); c.6053A>G, p.Asp2018Gly (NM_001354900.2); and 6 more; short protein forms D1776G, D2059G, D2031G, D1968G, D2000G, D2041G, D1899G, D1933G.
Identifiers: ClinVar variation 1463818 (VCV001463818.9), dbSNP rs775292977, ClinGen allele CA044029.
Genomic context (GRCh38, chr5:112,841,770, plus strand): 5'-TGCAGGAATGTATAAGCTCCGCAATGCCAAAAAAGAAAAAGCCTTCAAGACTCAAGGGTG[A>G]TAATGAAAAACATAGTCCCAGAAATATGGGTGGCATATTAGGTGAAGATCTGACACTTGA-3'
Protein context (NP_000029.2, residues 2049-2069): KKKKPSRLKG[Asp2059Gly]NEKHSPRNMG